The following is an entry in ClinVar:

ClinVar aggregate classification (germline): Uncertain significance. Review status: criteria provided, multiple submitters, no conflicts (2 of 4 stars). 3 submissions from 3 submitters: Uncertain significance (3). Last evaluated 2025-10-03.

Conditions:
LRP2-related disorder. Also called: LRP2-related condition.
Donnai-Barrow syndrome. Also called: DBS/FOAR SYNDROME; FACIOOCULOACOUSTICORENAL SYNDROME. Identifiers: Orphanet 2143, MedGen C1857277, MONDO:0009104, OMIM 222448.

Allele frequency attached by ClinVar (database versions not stated): ExAC 0.00002; gnomAD exomes 0.00002; TOPMed 0.00002.
gnomAD v4.1: 13 of 1,614,168 alleles (0.00081%); highest among the groups gnomAD compares: Admixed American, 0.005%; no homozygotes.

Submissions (3):

PreventionGenetics, part of Exact Sciences
Classification: Uncertain significance for LRP2-related condition. Last evaluated: 2025-10-03. Review status: criteria provided, single submitter. Criteria: ACMG Guidelines, 2015. Collection method: clinical testing. Allele origin: germline.
Comment: The LRP2 c.7513C>T variant is predicted to result in the amino acid substitution p.Arg2505Cys. To our knowledge, this variant has not been reported in the literature. This variant is reported in 0.012% of alleles in individuals of Latino descent in gnomAD. At this time, the clinical significance of this variant is uncertain due to the absence of conclusive functional and genetic evidence.

Labcorp Genetics (formerly Invitae), Labcorp
Classification: Uncertain significance. Last evaluated: 2025-01-23. Review status: criteria provided, single submitter. Criteria: Invitae Variant Classification Sherloc (09022015). Collection method: clinical testing. Allele origin: germline.
Comment: This sequence change replaces arginine, which is basic and polar, with cysteine, which is neutral and slightly polar, at codon 2505 of the LRP2 protein (p.Arg2505Cys). This variant is present in population databases (rs766295068, gnomAD 0.01%). This variant has not been reported in the literature in individuals affected with LRP2-related conditions. ClinVar contains an entry for this variant (Variation ID: 1007626). Invitae Evidence Modeling of protein sequence and biophysical properties (such as structural, functional, and spatial information, amino acid conservation, physicochemical variation, residue mobility, and thermodynamic stability) indicates that this missense variant is expected to disrupt LRP2 protein function with a positive predictive value of 95%. In summary, the available evidence is currently insufficient to determine the role of this variant in disease. Therefore, it has been classified as a Variant of Uncertain Significance.

Fulgent Genetics
Classification: Uncertain significance for Donnai-Barrow syndrome. Last evaluated: 2024-05-04. Review status: criteria provided, single submitter. Criteria: ACMG Guidelines, 2015. Collection method: clinical testing. Allele origin: germline.

NM_004525.3(LRP2):c.7513C>T (p.Arg2505Cys)

Gene: LRP2 (LDL receptor related protein 2; minus strand). Cytogenetic location: 2q31.1.
Variant type: single nucleotide variant.
Coding change: c.7513C>T on transcript NM_004525.3 (MANE Select); coding-DNA position 7513, C replaced by T.
Protein change: p.Arg2505Cys; replaces arginine 2505 with cysteine.
Molecular consequence: missense variant.
Genome position (GRCh38, 1-based): chr2:169,206,066, G>A on the plus strand (C>T on the coding strand, the complement: LRP2 is on the minus strand). VCF-style: chr2-169206066-G-A. GRCh37 (hg19) VCF-style: chr2-170062576-G-A.
Other names: c.7513C>T (NM_004525.2); short protein forms R2505C.
Identifiers: ClinVar variation 1007626 (VCV001007626.8), dbSNP rs766295068, ClinGen allele CA1954081.